The following is an entry in ClinVar:

NM_001793.6(CDH3):c.52T>C (p.Trp18Arg)

Genes: CDH3 (cadherin 3; plus strand), CDH3-AS1 (CDH3 antisense RNA 1; minus strand). Cytogenetic location: 16q22.1.
Variant type: single nucleotide variant.
Coding change: c.52T>C on transcript NM_001793.6 (MANE Select); coding-DNA position 52, T replaced by C.
Protein change: p.Trp18Arg; replaces tryptophan 18 with arginine.
Molecular consequence: missense variant. On other transcripts: intron variant (1).
Genome position (GRCh38, 1-based): chr16:68,645,642, T>C. VCF-style: chr16-68645642-T-C. GRCh37 (hg19) VCF-style: chr16-68679545-T-C.
Other names: c.52T>C, p.Trp18Arg (NM_001317195.3); c.-6+218T>C (NM_001317196.2); c.52T>C (NM_001793.4); short protein forms W18R.
Identifiers: ClinVar variation 2570947 (VCV002570947.27), dbSNP rs1396384908, ClinGen allele CA396455167.

ClinVar aggregate classification (germline): Uncertain significance. Review status: criteria provided, multiple submitters, no conflicts (2 of 4 stars). 2 submissions from 2 submitters: Uncertain significance (2). Last evaluated 2023-06-01.

gnomAD v4.1: 7 of 1,542,100 alleles (0.00045%); highest among the groups gnomAD compares: Non-Finnish European, 0.00061%; no homozygotes.

Submissions (2):

CeGaT Center for Human Genetics Tuebingen
Classification: Uncertain significance. Last evaluated: 2023-06-01. Review status: criteria provided, single submitter. Criteria: CeGaT Center For Human Genetics Tuebingen Variant Classification Criteria Version 2. Collection method: clinical testing. Allele origin: germline. Affected: yes. Observed: 1 variant allele.
Comment: CDH3: PM2

GeneDx
Classification: Uncertain significance. Last evaluated: 2023-03-03. Review status: criteria provided, single submitter. Criteria: GeneDx Variant Classification Process June 2021. Collection method: clinical testing. Allele origin: germline. Affected: yes.
Comment: Not observed at significant frequency in large population cohorts (gnomAD); In silico analysis supports that this missense variant does not alter protein structure/function; Has not been previously published as pathogenic or benign to our knowledge